The following is an entry in ClinVar:

ClinVar aggregate classification (germline): Uncertain significance (1 of 4 stars; one submission).

Conditions:
Progressive myoclonic epilepsy type 8. Identifiers: Orphanet 424027, MedGen C5190825, MONDO:0014545, OMIM 616230.

Allele frequency attached by ClinVar (database versions not stated): ExAC 0.00005.

Submission:

Labcorp Genetics (formerly Invitae), Labcorp
Classification: Uncertain significance for Progressive myoclonic epilepsy type 8. Last evaluated: 2022-11-08. Review status: criteria provided, single submitter. Criteria: Invitae Variant Classification Sherloc (09022015). Collection method: clinical testing. Allele origin: germline.
Comment: In summary, the available evidence is currently insufficient to determine the role of this variant in disease. Therefore, it has been classified as a Variant of Uncertain Significance. Algorithms developed to predict the effect of sequence changes on RNA splicing suggest that this variant may disrupt the consensus splice site. ClinVar contains an entry for this variant (Variation ID: 542131). This variant has not been reported in the literature in individuals affected with CERS1-related conditions. The frequency data for this variant in the population databases is considered unreliable, as metrics indicate poor data quality at this position in the gnomAD database. This sequence change affects an acceptor splice site in intron 6 of the CERS1 gene. It is expected to disrupt RNA splicing. Variants that disrupt the donor or acceptor splice site typically lead to a loss of protein function (PMID: 16199547), however the current clinical and genetic evidence is not sufficient to establish whether loss-of-function variants in CERS1 cause disease.

Literature cited by the submitters: PubMed 16199547.

NM_021267.5(CERS1):c.1011-2A>G

Genes: CERS1 (ceramide synthase 1; minus strand), GDF1 (growth differentiation factor 1; minus strand). Cytogenetic location: 19p13.11.
Variant type: single nucleotide variant.
Coding change: c.1011-2A>G on transcript NM_021267.5 (MANE Select); the canonical splice acceptor site of the intron before coding-DNA position 1011, A replaced by G.
Molecular consequence: splice acceptor variant.
Genome position (GRCh38, 1-based): chr19:18,870,621, T>C on the plus strand (A>G on the coding strand, the complement: CERS1 is on the minus strand). VCF-style: chr19-18870621-T-C. GRCh37 (hg19) VCF-style: chr19-18981430-T-C.
Other names: c.1011-2A>G (NM_001387440.1); c.-312-2A>G (NM_001387438.1, NM_001492.6).
Identifiers: ClinVar variation 542131 (VCV000542131.9), dbSNP rs771873576, ClinGen allele CA9318039.